The following is an entry in ClinVar:

NM_080927.4(DCBLD2):c.2014A>G (p.Ile672Val)

Gene: DCBLD2 (discoidin, CUB and LCCL domain containing 2; minus strand). Cytogenetic location: 3q12.1.
Variant type: single nucleotide variant.
Coding change: c.2014A>G on transcript NM_080927.4 (MANE Select); coding-DNA position 2014, A replaced by G.
Protein change: p.Ile672Val; replaces isoleucine 672 with valine.
Molecular consequence: missense variant.
Genome position (GRCh38, 1-based): chr3:98,799,686, T>C on the plus strand (A>G on the coding strand, the complement: DCBLD2 is on the minus strand). VCF-style: chr3-98799686-T-C. GRCh37 (hg19) VCF-style: chr3-98518530-T-C.
Other names: short protein forms I672V.
Identifiers: ClinVar variation 3060115 (VCV003060115.2), dbSNP rs111245657, ClinGen allele CA2512203.

ClinVar aggregate classification (germline): Likely benign (0 of 4 stars; one submission).

Conditions:
DCBLD2-related disorder. Also called: DCBLD2-related condition.

Allele frequency attached by ClinVar (database versions not stated): 1000 Genomes Project 30x 0.00156; 1000 Genomes Project 0.00160; ExAC 0.00308; TOPMed 0.00310; gnomAD 0.00312; ESP Exome Variant Server 0.00418.
gnomAD v4.1: 7,517 of 1,613,996 alleles (0.47%); highest among the groups gnomAD compares: Non-Finnish European, 0.59%; 29 homozygotes.

Submission:

PreventionGenetics, part of Exact Sciences
Classification: Likely benign for DCBLD2-related condition. Last evaluated: 2022-02-25. Review status: no assertion criteria provided. Collection method: clinical testing. Allele origin: germline.
Comment: This variant is classified as likely benign based on ACMG/AMP sequence variant interpretation guidelines (Richards et al. 2015 PMID: 25741868, with internal and published modifications).